The following is an entry in ClinVar:

ClinVar aggregate classification (germline): Pathogenic/Likely pathogenic. Review status: criteria provided, multiple submitters, no conflicts (2 of 4 stars). 7 submissions from 7 submitters: Pathogenic (4); Likely pathogenic (2). 1 of the submissions does not count toward it. Last evaluated 2025-07-11.

Conditions:
Autosomal recessive Alport syndrome (ATS2). Also called: COL4A4 Alport Syndrome and Thin Basement Membrane Nephropathy; ALPORT SYNDROME 2, AUTOSOMAL RECESSIVE; COL4A3-Related Nephropathy; Alport syndrome type 2. Identifiers: Orphanet 63, Orphanet 88919, MedGen C4746745, MONDO:0008762, OMIM 203780.
Alport syndrome 3b, autosomal recessive. Identifiers: MedGen C5882699, MONDO:0957811, OMIM 620536.
Hematuria, benign familial, 2 (BFH2). Identifiers: MedGen C5830421, MONDO:0958186, OMIM 620320.
Autosomal dominant Alport syndrome (ATS3A). Also called: ALPORT SYNDROME 3A, AUTOSOMAL DOMINANT; Alport syndrome dominant type; Renal failure and sensorineural hearing loss. Identifiers: Orphanet 63, Orphanet 88918, MedGen C5882663, MONDO:0007086, OMIM 104200.
COL4A3-related disorder. Also called: COL4A3-related condition; COL4A3-Related Disorders.
Alport syndrome. Also called: Hemorrhagic familial nephritis; Hemorrhagic hereditary nephritis; Congenital hereditary hematuria. Identifiers: Orphanet 63, MedGen C1567741, MONDO:0018965.

Allele frequency attached by ClinVar (database versions not stated): TOPMed below 0.00001; gnomAD 0.00001; gnomAD exomes 0.00001.
gnomAD v4.1: 14 of 1,610,882 alleles (0.00087%); highest among the groups gnomAD compares: African/African-American, 0.0013%; no homozygotes.

Submissions (7):

PreventionGenetics, part of Exact Sciences
Classification: Pathogenic for COL4A3-related condition. Last evaluated: 2025-07-11. Review status: criteria provided, single submitter. Criteria: ACMG Guidelines, 2015. Collection method: clinical testing. Allele origin: germline.
Comment: The COL4A3 c.3210+1G>A variant is predicted to disrupt the GT donor site and interfere with normal splicing. This variant was reported along with a second pathogenic variant in an individual with Alport syndrome (Storey et al. 2013. PubMed ID: 24052634). This variant has not been reported in a large population database (gnomAD), indicating this variant is rare. Variants that disrupt the consensus splice donor site in COL4A3 are expected to be pathogenic. This variant is interpreted as pathogenic.

Natera, Inc.
Classification: Pathogenic for Alport syndrome. Last evaluated: 2024-08-20. Review status: criteria provided, single submitter. Criteria: Natera Variant Classification Schema (03/2026). Collection method: clinical testing. Allele origin: germline.
Comment: The c.3210+1G>A variant in COL4A3 is a canonical splice donor site variant predicted to affect pre-mRNA splicing, which may result in an abnormal transcript and altered protein product. This variant is expected to result in nonsense mediated decay, truncation, or a dysfunctional protein product. This variant is rare in the general population with a frequency below the threshold expected for the associated phenotype(s). This variant has been observed in one or more individuals affected with the associated recessive disease, as either homozygous or compound heterozygous with a second variant (PMID: 24052634). Given the available evidence, this variant is classified as Pathogenic.

Fulgent Genetics
Classification: Likely pathogenic for Autosomal dominant Alport syndrome; Hematuria, benign familial, 2; Alport syndrome 3b, autosomal recessive. Last evaluated: 2024-05-17. Review status: criteria provided, single submitter. Criteria: ACMG Guidelines, 2015. Collection method: clinical testing. Allele origin: germline.

Labcorp Genetics (formerly Invitae), Labcorp
Classification: Pathogenic. Last evaluated: 2023-12-09. Review status: criteria provided, single submitter. Criteria: Invitae Variant Classification Sherloc (09022015). Collection method: clinical testing. Allele origin: germline.
Comment: This sequence change affects a donor splice site in intron 37 of the COL4A3 gene. It is expected to disrupt RNA splicing. Variants that disrupt the donor or acceptor splice site typically lead to a loss of protein function (PMID: 16199547), and loss-of-function variants in COL4A3 are known to be pathogenic (PMID: 8956999, 24854265, 26809805, 27281700). This variant is not present in population databases (gnomAD no frequency). Disruption of this splice site has been observed in individuals with autosomal recessive Alport syndrome (PMID: 24052634; Invitae). ClinVar contains an entry for this variant (Variation ID: 554710). Algorithms developed to predict the effect of sequence changes on RNA splicing suggest that this variant may disrupt the consensus splice site. For these reasons, this variant has been classified as Pathogenic.

GeneDx
Classification: Pathogenic. Last evaluated: 2023-04-05. Review status: criteria provided, single submitter. Criteria: GeneDx Variant Classification Process June 2021. Collection method: clinical testing. Allele origin: germline. Affected: yes.
Comment: Canonical splice site variant predicted to result in a null allele in a gene for which loss of function is a known mechanism of disease; Not observed at significant frequency in large population cohorts (gnomAD); This variant is associated with the following publications: (PMID: 24052634)

Women's Health and Genetics/Laboratory Corporation of America, LabCorp
Classification: Likely pathogenic for Autosomal recessive Alport syndrome. Last evaluated: 2021-04-19. Review status: criteria provided, single submitter. Criteria: LabCorp Variant Classification Summary - May 2015. Collection method: clinical testing. Allele origin: germline.
Comment: Variant summary: COL4A3 c.3210+1G>A is located in a canonical splice-site and is predicted to affect mRNA splicing resulting in a significantly altered protein due to either exon skipping, shortening, or inclusion of intronic material. Several computational tools predict a significant impact on normal splicing: Two predict that the variant abolishes a 5-prime splicing donor site. However, these predictions have yet to be confirmed by functional studies. The variant was absent in 244902 control chromosomes. c.3210+1G>A has been reported in the literature in at least one individual affected with Alport Syndrome, Autosomal Recessive (e.g. Storey_2013). These data do not allow any conclusion about variant significance. To our knowledge, no experimental evidence demonstrating an impact on protein function has been reported. Two other clinical diagnostic laboratories have submitted clinical-significance assessments for this variant to ClinVar after 2014 without evidence for independent evaluation. Both laboratories cited the variant as likely pathogenic. Based on the evidence outlined above, the variant was classified as likely pathogenic.

Counsyl
Classification: Likely pathogenic for Autosomal recessive Alport syndrome. Last evaluated: 2017-11-07. Review status: no assertion criteria provided. Collection method: clinical testing. Allele origin: unknown. Not counted in ClinVar's aggregate classification.

Literature cited by the submitters: PubMed 24052634 (cited by 4 submitters); PubMed 16199547 (cited by Labcorp Genetics (formerly Invitae), Labcorp); PubMed 8956999 (cited by Labcorp Genetics (formerly Invitae), Labcorp); PubMed 24854265 (cited by Labcorp Genetics (formerly Invitae), Labcorp); PubMed 26809805 (cited by Labcorp Genetics (formerly Invitae), Labcorp); PubMed 27281700 (cited by Labcorp Genetics (formerly Invitae), Labcorp).

NM_000091.5(COL4A3):c.3210+1G>A

Genes: COL4A3 (collagen type IV alpha 3 chain; plus strand), MFF-DT (MFF divergent transcript; minus strand). Cytogenetic location: 2q36.3.
Variant type: single nucleotide variant.
Coding change: c.3210+1G>A on transcript NM_000091.5 (MANE Select); the canonical splice donor site of the intron after coding-DNA position 3210, G replaced by A.
Molecular consequence: splice donor variant.
Genome position (GRCh38, 1-based): chr2:227,290,887, G>A. VCF-style: chr2-227290887-G-A. GRCh37 (hg19) VCF-style: chr2-228155603-G-A.
Identifiers: ClinVar variation 554710 (VCV000554710.16), dbSNP rs1553762314, ClinGen allele CA350856138.